The following is an entry in ClinVar:

NM_000204.5(CFI):c.560G>A (p.Arg187Gln)

Gene: CFI (complement factor I; minus strand). Cytogenetic location: 4q25.
Variant type: single nucleotide variant.
Coding change: c.560G>A on transcript NM_000204.5 (MANE Select); coding-DNA position 560, G replaced by A.
Protein change: p.Arg187Gln; replaces arginine 187 with glutamine.
Molecular consequence: missense variant. On other transcripts: 5 prime UTR variant (1), non-coding transcript variant (3).
Genome position (GRCh38, 1-based): chr4:109,761,615, C>T on the plus strand (G>A on the coding strand, the complement: CFI is on the minus strand). VCF-style: chr4-109761615-C-T. GRCh37 (hg19) VCF-style: chr4-110682771-C-T.
Other names: p.Arg187Gln; c.560G>A (NM_000204.4); c.560G>A, p.Arg187Gln (NM_001318057.2, NM_001331035.2, NM_001375278.1 and 5 more transcripts); c.-50G>A (NM_001375284.1); short protein forms R187Q.
Identifiers: ClinVar variation 902338 (VCV000902338.13), dbSNP rs143366614, ClinGen allele CA3042230.
Genomic context (GRCh38, chr4:109,761,615, plus strand): 5'-TGGTAACCCATAGTTCTTCTCTTAGTAAAAGTACATTCAGCCAAACTGGTCTCTAATCCT[C>T]GGCAATGCACATGTAGACATTCAGTGGAATTTATAGAGAGATCAGACAACTTAAACCTTC-3'
Protein context (NP_000195.3, residues 177-197): NSTECLHVHC[Arg187Gln]GLETSLAECT

ClinVar aggregate classification (germline): Conflicting classifications of pathogenicity. Review status: criteria provided, conflicting classifications (1 of 4 stars). 4 submissions from 4 submitters: Uncertain significance (3); Benign (1). Last evaluated 2025-10-14.

Conditions:
CFI-related disorder. Also called: CFI-related condition; CFI-related disorders. Identifiers: MedGen CN239325.
Atypical hemolytic-uremic syndrome with I factor anomaly. Also called: HEMOLYTIC UREMIC SYNDROME, ATYPICAL, SUSCEPTIBILITY TO, 3; AHUS, SUSCEPTIBILITY TO, 3. Identifiers: Orphanet 2134, MedGen C2752039, MONDO:0013041, OMIM 612923.

Allele frequency attached by ClinVar (database versions not stated): gnomAD 0.00007; gnomAD exomes 0.00008; ExAC 0.00012; TOPMed 0.00014; ESP Exome Variant Server 0.00023.
gnomAD v4.1: 145 of 1,613,654 alleles (0.009%); highest among the groups gnomAD compares: Admixed American, 0.017%; no homozygotes.

Submissions (4):

Labcorp Genetics (formerly Invitae), Labcorp
Classification: Uncertain significance. Last evaluated: 2025-10-14. Review status: criteria provided, single submitter. Criteria: Invitae Variant Classification Sherloc (09022015). Collection method: clinical testing. Allele origin: germline.
Comment: This sequence change replaces arginine, which is basic and polar, with glutamine, which is neutral and polar, at codon 187 of the CFI protein (p.Arg187Gln). This variant is present in population databases (rs143366614, gnomAD 0.02%). This missense change has been observed in individual(s) with age-related macular degeneration and atypical haemolytic uraemic syndrome (PMID: 24036952, 25037630, 27268256, 28282489). ClinVar contains an entry for this variant (Variation ID: 902338). Invitae Evidence Modeling of protein sequence and biophysical properties (such as structural, functional, and spatial information, amino acid conservation, physicochemical variation, residue mobility, and thermodynamic stability) indicates that this missense variant is not expected to disrupt CFI protein function with a negative predictive value of 80%. Experimental studies are conflicting or provide insufficient evidence to determine the effect of this variant on CFI function (PMID: 28282489, 32510551, 35619721). In summary, the available evidence is currently insufficient to determine the role of this variant in disease. Therefore, it has been classified as a Variant of Uncertain Significance.

Genomenon, Inc
Classification: Uncertain significance for CFI-related disorder. Last evaluated: 2025-09-26. Review status: criteria provided, single submitter. Criteria: Genomenon Sequence Variant Interpretation Standards - Updated. Collection method: curation. Allele origin: germline. Affected: yes.
Comment: CFI p.Arg187Gln (c.560G>A) is a missense variant that changes the amino acid at residue 187 from Arginine to Glutamine. This variant has been observed in at least one proband affected with a CFI-related disorder (PMID:25037630;27268256;35619721;30851964;32510551). Functional studies have been reported; however, the significance of the findings remain unclear (PMID:35619721;32510551). It is absent or not present at a significant frequency in gnomAD. In silico models agree that this variant is not damaging. In conclusion, we classify CFI p.Arg187Gln (c.560G>A) as a variant of unknown significance.

Mayo Clinic Laboratories, Mayo Clinic
Classification: Uncertain significance. Last evaluated: 2023-06-08. Review status: criteria provided, single submitter. Criteria: ACMG Guidelines, 2015. Collection method: clinical testing. Allele origin: germline. Observed: 1 variant allele.
Comment: BP4

Illumina Laboratory Services, Illumina
Classification: Benign for Atypical hemolytic-uremic syndrome with I factor anomaly. Last evaluated: 2017-05-02. Review status: criteria provided, single submitter. Criteria: ICSL Variant Classification Criteria 13 December 2019. Collection method: clinical testing. Allele origin: germline.
Comment: This variant was observed as part of a predisposition screen in an ostensibly healthy population. A literature search was performed for the gene, cDNA change, and amino acid change (where applicable). Publications were found based on this search. The evidence from the literature, in combination with allele frequency data from public databases where available, was sufficient to rule this variant out of causing disease. Therefore, this variant is classified as benign.

Literature cited by the submitters: PubMed 24036952 (cited by 3 submitters); PubMed 25037630 (cited by 4 submitters); PubMed 27268256 (cited by 3 submitters); PubMed 28282489 (cited by 3 submitters); PubMed 32510551 (cited by Labcorp Genetics (formerly Invitae), Labcorp and Mayo Clinic Laboratories, Mayo Clinic); PubMed 35619721 (cited by Labcorp Genetics (formerly Invitae), Labcorp and Mayo Clinic Laboratories, Mayo Clinic); 27268256 (cited by Genomenon, Inc); 35619721 (cited by Genomenon, Inc); 30851964 (cited by Genomenon, Inc); 32510551 (cited by Genomenon, Inc); PubMed 25788521 (cited by Mayo Clinic Laboratories, Mayo Clinic); PubMed 30851964 (cited by Mayo Clinic Laboratories, Mayo Clinic); PubMed 36845135 (cited by Mayo Clinic Laboratories, Mayo Clinic); PubMed 37105825 (cited by Mayo Clinic Laboratories, Mayo Clinic).